The following is an entry in ClinVar:

ClinVar aggregate classification (germline): Likely benign. Review status: criteria provided, single submitter (1 of 4 stars). 2 submissions from 2 submitters: Likely benign (1). 1 of the submissions does not count toward it. Last evaluated 2018-08-08.

Conditions:
GTF2IRD1-related disorder. Also called: GTF2IRD1-related condition.

Allele frequency attached by ClinVar (database versions not stated): gnomAD exomes 0.00021 and 0.00030; ExAC 0.00025; TOPMed 0.00033; gnomAD 0.00034 and 0.00036; ESP Exome Variant Server 0.00046.
gnomAD v4.1: 485 of 1,608,718 alleles (0.03%); highest among the groups gnomAD compares: Non-Finnish European, 0.038%; no homozygotes.

Submissions (2):

Labcorp Genetics (formerly Invitae), Labcorp
Classification: Likely benign. Last evaluated: 2018-08-08. Review status: criteria provided, single submitter. Criteria: Invitae Variant Classification Sherloc (09022015). Collection method: clinical testing. Allele origin: germline.

PreventionGenetics, part of Exact Sciences
Classification: Likely benign for GTF2IRD1-related condition. Last evaluated: 2019-03-14. Review status: no assertion criteria provided. Collection method: clinical testing. Allele origin: germline. Not counted in ClinVar's aggregate classification.
Comment: This variant is classified as likely benign based on ACMG/AMP sequence variant interpretation guidelines (Richards et al. 2015 PMID: 25741868, with internal and published modifications).

NM_005685.4(GTF2IRD1):c.1300+9G>C

Gene: GTF2IRD1 (GTF2I repeat domain containing 1; plus strand). Cytogenetic location: 7q11.23.
Variant type: single nucleotide variant.
Coding change: c.1300+9G>C on transcript NM_005685.4 (MANE Select); 9 bases into the intron after coding-DNA position 1300, G replaced by C.
Molecular consequence: intron variant.
Genome position (GRCh38, 1-based): chr7:74,535,147, G>C. VCF-style: chr7-74535147-G-C. GRCh37 (hg19) VCF-style: chr7-73949477-G-C.
Other names: c.1396+9G>C (NM_001199207.2, NM_001199207.1); c.1300+9G>C (NM_016328.3).
Identifiers: ClinVar variation 754756 (VCV000754756.5), dbSNP rs201795705, ClinGen allele CA4296806.